The following is an entry in ClinVar:

ClinVar aggregate classification (germline): Uncertain significance (1 of 4 stars; one submission).

gnomAD v4.1: 9 of 1,614,096 alleles (0.00056%); highest among the groups gnomAD compares: Non-Finnish European, 0.00076%; no homozygotes.

Submission:

Labcorp Genetics (formerly Invitae), Labcorp
Classification: Uncertain significance. Last evaluated: 2024-03-05. Review status: criteria provided, single submitter. Criteria: Invitae Variant Classification Sherloc (09022015). Collection method: clinical testing. Allele origin: germline.
Comment: This sequence change replaces glutamic acid, which is acidic and polar, with alanine, which is neutral and non-polar, at codon 457 of the DEAF1 protein (p.Glu457Ala). This variant is not present in population databases (gnomAD no frequency). This variant has not been reported in the literature in individuals affected with DEAF1-related conditions. Advanced modeling of protein sequence and biophysical properties (such as structural, functional, and spatial information, amino acid conservation, physicochemical variation, residue mobility, and thermodynamic stability) performed at Invitae indicates that this missense variant is expected to disrupt DEAF1 protein function with a positive predictive value of 95%. In summary, the available evidence is currently insufficient to determine the role of this variant in disease. Therefore, it has been classified as a Variant of Uncertain Significance.

NM_021008.4(DEAF1):c.1370A>C (p.Glu457Ala)

Genes: DEAF1 (DEAF1 transcription factor; minus strand), LOC126861109 (BRD4-independent group 4 enhancer GRCh37_chr11:673917-675116; plus strand). Cytogenetic location: 11p15.5.
Variant type: single nucleotide variant.
Coding change: c.1370A>C on transcript NM_021008.4 (MANE Select); coding-DNA position 1370, A replaced by C.
Protein change: p.Glu457Ala; replaces glutamic acid 457 with alanine.
Molecular consequence: missense variant.
Genome position (GRCh38, 1-based): chr11:674,669, T>G on the plus strand (A>C on the coding strand, the complement: DEAF1 is on the minus strand). VCF-style: chr11-674669-T-G. GRCh37 (hg19) VCF-style: chr11-674669-T-G.
Other names: c.1103A>C, p.Glu368Ala (NM_001293634.2); c.644A>C, p.Glu215Ala (NM_001367390.1); short protein forms E215A, E457A, E368A.
Identifiers: ClinVar variation 3697173 (VCV003697173.2).